The following is an entry in ClinVar:

ClinVar aggregate classification (germline): Likely benign. Review status: criteria provided, multiple submitters, no conflicts (2 of 4 stars). 3 submissions from 3 submitters: Likely benign (3). Last evaluated 2025-08-01.

Conditions:
Familial adenomatous polyposis 1 (FAP1). Also called: POLYPOSIS, ADENOMATOUS INTESTINAL; FAMILIAL ADENOMATOUS POLYPOSIS 1, ATTENUATED. Identifiers: MedGen C2713442, MONDO:0021056, OMIM 175100. Disease mechanism: loss of function.
Hereditary cancer-predisposing syndrome. Also called: Hereditary neoplastic syndrome; Neoplastic Syndromes, Hereditary; Tumor predisposition; Hereditary Cancer Syndrome. Identifiers: Orphanet 140162, MedGen C0027672, MeSH D009386, MONDO:0015356.

Submissions (3):

CeGaT Center for Human Genetics Tuebingen
Classification: Likely benign. Last evaluated: 2025-08-01. Review status: criteria provided, single submitter. Criteria: CeGaT Center For Human Genetics Tuebingen Variant Classification Criteria Version 2. Collection method: clinical testing. Allele origin: germline. Affected: yes. Observed: 1 variant allele.
Comment: APC: PM2:Supporting, BP4, BP7

Labcorp Genetics (formerly Invitae), Labcorp
Classification: Likely benign for Familial adenomatous polyposis 1. Last evaluated: 2024-08-05. Review status: criteria provided, single submitter. Criteria: Invitae Variant Classification Sherloc (09022015). Collection method: clinical testing. Allele origin: germline.

Ambry Genetics
Classification: Likely benign for Hereditary cancer-predisposing syndrome. Last evaluated: 2020-04-08. Review status: criteria provided, single submitter. Criteria: Ambry Variant Classification Scheme 2023. Collection method: clinical testing. Allele origin: germline.

NM_000038.6(APC):c.7620A>C (p.Pro2540=)

Gene: APC (APC regulator of Wnt signaling pathway; plus strand). Cytogenetic location: 5q22.2.
Variant type: single nucleotide variant.
Coding change: c.7620A>C on transcript NM_000038.6 (MANE Select); coding-DNA position 7620, A replaced by C.
Protein change: p.Pro2540=; no amino-acid change (proline 2540 retained).
Molecular consequence: synonymous variant. On other transcripts: non-coding transcript variant (2).
Genome position (GRCh38, 1-based): chr5:112,843,214, A>C. VCF-style: chr5-112843214-A-C. GRCh37 (hg19) VCF-style: chr5-112178911-A-C.
Other names: c.7620A>C, p.Pro2540= (NM_001127510.3, NM_001354895.2, NM_001407450.1); c.7566A>C, p.Pro2522= (NM_001127511.3); c.7674A>C, p.Pro2558= (NM_001354896.2, NM_001407447.1, NM_001407448.1 and 1 more transcripts); c.7650A>C, p.Pro2550= (NM_001354897.2); c.7545A>C, p.Pro2515= (NM_001354898.2); c.7536A>C, p.Pro2512= (NM_001354899.2); c.7497A>C, p.Pro2499= (NM_001354900.2); c.7443A>C, p.Pro2481= (NM_001354901.2, NM_001407453.1); and 11 more.
Identifiers: ClinVar variation 1759848 (VCV001759848.12), dbSNP rs2149990704, ClinGen allele CA446211093.
Genomic context (GRCh38, chr5:112,843,214, plus strand): 5'-AAGACCAGCAAAGCGCCATGATATTGCACGGTCTCATTCTGAAAGTCCTTCTAGACTTCC[A>C]ATCAATAGGTCAGGAACCTGGAAACGTGAGCACAGCAAACATTCATCATCCCTTCCTCGA-3'
Protein context (NP_000029.2, residues 2530-2550): RSHSESPSRL[Pro2540=]INRSGTWKRE